The following is an entry in ClinVar:

NM_001374675.1(HSF4):c.1222A>G (p.Thr408Ala)

Gene: HSF4 (heat shock transcription factor 4; plus strand). Cytogenetic location: 16q22.1.
Variant type: single nucleotide variant.
Coding change: c.1222A>G on transcript NM_001374675.1 (MANE Select); coding-DNA position 1222, A replaced by G.
Protein change: p.Thr408Ala; replaces threonine 408 with alanine.
Molecular consequence: missense variant.
Genome position (GRCh38, 1-based): chr16:67,169,069, A>G. VCF-style: chr16-67169069-A-G. GRCh37 (hg19) VCF-style: chr16-67202972-A-G.
Other names: c.1222A>G, p.Thr408Ala (NM_001040667.3); c.1132A>G, p.Thr378Ala (NM_001374674.1, NM_001538.4); short protein forms T408A, T378A.
Identifiers: ClinVar variation 930224 (VCV000930224.4), dbSNP rs760918985, ClinGen allele CA8102117.

ClinVar aggregate classification (germline): Uncertain significance. Review status: criteria provided, multiple submitters, no conflicts (2 of 4 stars). 2 submissions from 2 submitters: Uncertain significance (2). Last evaluated 2021-10-30.

Conditions:
Cataract 5 multiple types (CTRCT5). Also called: Lamellar cataract; CATARACT, MARNER TYPE; CATARACT 5, LAMELLAR. Identifiers: Orphanet 91492, MedGen C0266537, MONDO:0007290, OMIM 116800, HP:0007971.

Allele frequency attached by ClinVar (database versions not stated): TOPMed below 0.00001; gnomAD 0.00001; gnomAD exomes 0.00001 and 0.00002; ExAC 0.00004.
gnomAD v4.1: 23 of 1,613,490 alleles (0.0014%); highest among the groups gnomAD compares: South Asian, 0.011%; no homozygotes.

Submissions (2):

Department of Pathology and Laboratory Medicine, Sinai Health System
Classification: Uncertain significance for Cataract 5 multiple types. Last evaluated: 2021-10-30. Review status: criteria provided, single submitter. Criteria: ACMG Guidelines, 2015. Collection method: research. Allele origin: germline.

Centre for Mendelian Genomics, University Medical Centre Ljubljana
Classification: Uncertain significance for Cataract 5 multiple types. Last evaluated: 2019-03-06. Review status: criteria provided, single submitter. Criteria: ACMG Guidelines, 2015. Collection method: clinical testing. Allele origin: unknown. Affected: yes.
Comment: This variant was classified as: Uncertain significance. The available evidence on this variant's pathogenicity is insufficient or conflicting. The following ACMG criteria were applied in classifying this variant: PP2,BP4.